The following is an entry in ClinVar:

NM_020975.6(RET):c.1088C>T (p.Ser363Phe)

Gene: RET (ret proto-oncogene; plus strand). Cytogenetic location: 10q11.21.
Variant type: single nucleotide variant.
Coding change: c.1088C>T on transcript NM_020975.6 (MANE Select); coding-DNA position 1088, C replaced by T.
Protein change: p.Ser363Phe; replaces serine 363 with phenylalanine.
Molecular consequence: missense variant.
Genome position (GRCh38, 1-based): chr10:43,109,055, C>T. VCF-style: chr10-43109055-C-T. GRCh37 (hg19) VCF-style: chr10-43604503-C-T.
Other names: c.326C>T, p.Ser109Phe (NM_001355216.2); c.1088C>T, p.Ser363Phe (NM_001406743.1, NM_001406744.1, NM_001406759.1 and 6 more transcripts); c.959C>T, p.Ser320Phe (NM_001406761.1, NM_001406762.1, NM_001406764.1 and 1 more transcripts); c.800C>T, p.Ser267Phe (NM_001406766.1, NM_001406767.1, NM_001406770.1); c.650C>T, p.Ser217Phe (NM_001406771.1, NM_001406773.1); c.362C>T, p.Ser121Phe (NM_001406775.1, NM_001406776.1, NM_001406777.1 and 1 more transcripts); c.98C>T, p.Ser33Phe (NM_001406784.1); short protein forms S363F, S109F, S121F, S320F, S33F, S217F, S267F.
Identifiers: ClinVar variation 477302 (VCV000477302.15), dbSNP rs766881522, ClinGen allele CA376547268.

ClinVar aggregate classification (germline): Conflicting classifications of pathogenicity. Review status: criteria provided, conflicting classifications (1 of 4 stars). 3 submissions from 3 submitters: Uncertain significance (2); Likely benign (1). Last evaluated 2026-06-18.

Conditions:
Multiple endocrine neoplasia, type 2 (MEN2). Identifiers: Orphanet 653, MedGen C4048306, MONDO:0019003. Disease mechanism: gain of function.
Hereditary cancer-predisposing syndrome. Also called: Neoplastic Syndromes, Hereditary; Hereditary neoplastic syndrome; Hereditary Cancer Syndrome; Tumor predisposition. Identifiers: Orphanet 140162, MedGen C0027672, MeSH D009386, MONDO:0015356.

Allele frequency attached by ClinVar (database versions not stated): gnomAD exomes 0.00001; gnomAD 0.00003 and 0.00004.
gnomAD v4.1: 9 of 1,613,382 alleles (0.00056%); highest among the groups gnomAD compares: Admixed American, 0.0083%; no homozygotes.

Submissions (3):

Ambry Genetics
Classification: Likely benign for Hereditary cancer-predisposing syndrome. Last evaluated: 2026-06-18. Review status: criteria provided, single submitter. Criteria: Ambry Variant Classification Scheme 2023. Collection method: clinical testing. Allele origin: germline.

Color Diagnostics, LLC DBA Color Health
Classification: Uncertain significance for Multiple endocrine neoplasia, type 2. Last evaluated: 2025-08-17. Review status: criteria provided, single submitter. Criteria: ACMG Guidelines, 2015. Collection method: clinical testing. Allele origin: germline.
Comment: This missense variant replaces serine with phenylalanine at codon 363 of the RET protein. Computational prediction suggests that this variant may not impact protein structure and function. To our knowledge, functional studies have not been reported for this variant. This variant has not been reported in individuals affected with RET-related disorders in the literature. This variant has not been identified in the general population by the Genome Aggregation Database (gnomAD). The available evidence is insufficient to determine the role of this variant in disease conclusively. Therefore, this variant is classified as a Variant of Uncertain Significance.

Labcorp Genetics (formerly Invitae), Labcorp
Classification: Uncertain significance for Multiple endocrine neoplasia, type 2. Last evaluated: 2025-07-30. Review status: criteria provided, single submitter. Criteria: Invitae Variant Classification Sherloc (09022015). Collection method: clinical testing. Allele origin: germline.
Comment: This sequence change replaces serine, which is neutral and polar, with phenylalanine, which is neutral and non-polar, at codon 363 of the RET protein (p.Ser363Phe). This variant is not present in population databases (gnomAD no frequency). This variant has not been reported in the literature in individuals affected with RET-related conditions. ClinVar contains an entry for this variant (Variation ID: 477302). An algorithm developed to predict the effect of missense changes on protein structure and function (PolyPhen-2) suggests that this variant is likely to be disruptive. In summary, the available evidence is currently insufficient to determine the role of this variant in disease. Therefore, it has been classified as a Variant of Uncertain Significance.